The following is an entry in ClinVar:

NM_198578.4(LRRK2):c.1957T>G (p.Leu653Val)

Gene: LRRK2 (leucine rich repeat kinase 2; plus strand). Cytogenetic location: 12q12.
Variant type: single nucleotide variant.
Coding change: c.1957T>G on transcript NM_198578.4 (MANE Select); coding-DNA position 1957, T replaced by G.
Protein change: p.Leu653Val; replaces leucine 653 with valine.
Molecular consequence: missense variant.
Genome position (GRCh38, 1-based): chr12:40,277,903, T>G. VCF-style: chr12-40277903-T-G. GRCh37 (hg19) VCF-style: chr12-40671705-T-G.
Other names: short protein forms L653V.
Identifiers: ClinVar variation 2624896 (VCV002624896.2), dbSNP rs1254900830, ClinGen allele CA384404384.

ClinVar aggregate classification (germline): Uncertain significance (1 of 4 stars; one submission).

Conditions:
Inborn genetic diseases. Identifiers: MedGen C0950123, MeSH D030342.

Allele frequency attached by ClinVar (database versions not stated): gnomAD exomes below 0.00001.
gnomAD v4.1: 2 of 1,609,660 alleles (0.00012%); highest among the groups gnomAD compares: South Asian, 0.0022%; no homozygotes.

Submission:

Ambry Genetics
Classification: Uncertain significance for Inborn genetic diseases. Last evaluated: 2023-06-24. Review status: criteria provided, single submitter. Criteria: Ambry Variant Classification Scheme 2023. Collection method: clinical testing. Allele origin: germline.
Comment: The p.L653V variant (also known as c.1957T>G), located in coding exon 17 of the LRRK2 gene, results from a T to G substitution at nucleotide position 1957. The leucine at codon 653 is replaced by valine, an amino acid with highly similar properties. This amino acid position is conserved. In addition, this alteration is predicted to be tolerated by in silico analysis. Since supporting evidence is limited at this time, the clinical significance of this alteration remains unclear.